The following is an entry in ClinVar:

NM_004525.3(LRP2):c.7406A>G (p.Asp2469Gly)

Gene: LRP2 (LDL receptor related protein 2; minus strand). Cytogenetic location: 2q31.1.
Variant type: single nucleotide variant.
Coding change: c.7406A>G on transcript NM_004525.3 (MANE Select); coding-DNA position 7406, A replaced by G.
Protein change: p.Asp2469Gly; replaces aspartic acid 2469 with glycine.
Molecular consequence: missense variant.
Genome position (GRCh38, 1-based): chr2:169,206,173, T>C on the plus strand (A>G on the coding strand, the complement: LRP2 is on the minus strand). VCF-style: chr2-169206173-T-C. GRCh37 (hg19) VCF-style: chr2-170062683-T-C.
Other names: short protein forms D2469G.
Identifiers: ClinVar variation 723222 (VCV000723222.35), dbSNP rs116507519, ClinGen allele CA1954101.

ClinVar aggregate classification (germline): Conflicting classifications of pathogenicity. Review status: criteria provided, conflicting classifications (1 of 4 stars). 6 submissions from 6 submitters: Uncertain significance (1); Likely benign (4). 1 of the submissions does not count toward it. Last evaluated 2026-01-28.

Conditions:
LRP2-related disorder. Also called: LRP2-related condition.

Allele frequency attached by ClinVar (database versions not stated): gnomAD exomes 0.00014 and 0.00035; ExAC 0.00042; 1000 Genomes Project 30x 0.00109; 1000 Genomes Project 0.00120; gnomAD 0.00132 and 0.00143; TOPMed 0.00169; ESP Exome Variant Server 0.00192.
gnomAD v4.1: 412 of 1,614,180 alleles (0.026%); highest among the groups gnomAD compares: African/African-American, 0.5%; 2 homozygotes.

Submissions (6):

Labcorp Genetics (formerly Invitae), Labcorp
Classification: Likely benign. Last evaluated: 2026-01-28. Review status: criteria provided, single submitter. Criteria: Invitae Variant Classification Sherloc (09022015). Collection method: clinical testing. Allele origin: germline.

GeneDx
Classification: Uncertain significance. Last evaluated: 2025-03-19. Review status: criteria provided, single submitter. Criteria: GeneDx Variant Classification Process June 2021. Collection method: clinical testing. Allele origin: germline.
Comment: Has not been previously published as pathogenic or benign to our knowledge; In silico analysis supports that this missense variant has a deleterious effect on protein structure/function

Blueprint Genetics
Classification: Likely benign. Last evaluated: 2024-08-06. Review status: criteria provided, single submitter. Criteria: ACMG Guidelines, 2015. Collection method: clinical testing. Allele origin: germline.

CeGaT Center for Human Genetics Tuebingen
Classification: Likely benign. Last evaluated: 2024-02-01. Review status: criteria provided, single submitter. Criteria: CeGaT Center For Human Genetics Tuebingen Variant Classification Criteria Version 2. Collection method: clinical testing. Allele origin: germline. Affected: yes. Observed: 2 variant alleles.
Comment: LRP2: BP4, BS1

Breakthrough Genomics
Classification: Likely benign. Review status: criteria provided, single submitter. Criteria: ACMG Guidelines, 2015. Collection method: not provided. Allele origin: germline. Inheritance: Autosomal recessive inheritance. Affected: yes.

PreventionGenetics, part of Exact Sciences
Classification: Likely benign for LRP2-related condition. Last evaluated: 2019-10-18. Review status: no assertion criteria provided. Collection method: clinical testing. Allele origin: germline. Not counted in ClinVar's aggregate classification.
Comment: This variant is classified as likely benign based on ACMG/AMP sequence variant interpretation guidelines (Richards et al. 2015 PMID: 25741868, with internal and published modifications).